The following is an entry in ClinVar:

ClinVar aggregate classification (germline): Uncertain significance (1 of 4 stars; one submission).

gnomAD v4.1: 10 of 1,612,644 alleles (0.00062%); highest among the groups gnomAD compares: African/African-American, 0.0067%; no homozygotes.

Submission:

Labcorp Genetics (formerly Invitae), Labcorp
Classification: Uncertain significance. Last evaluated: 2025-11-23. Review status: criteria provided, single submitter. Criteria: Invitae Variant Classification Sherloc (09022015). Collection method: clinical testing. Allele origin: germline.
Comment: This sequence change replaces arginine, which is basic and polar, with cysteine, which is neutral and slightly polar, at codon 766 of the TNNI3K protein (p.Arg766Cys). This variant is present in population databases (rs374334124, gnomAD 0.0009%). This variant has not been reported in the literature in individuals affected with TNNI3K-related conditions. An algorithm developed to predict the effect of missense changes on protein structure and function (PolyPhen-2) suggests that this variant is likely to be tolerated. In summary, the available evidence is currently insufficient to determine the role of this variant in disease. Therefore, it has been classified as a Variant of Uncertain Significance.

NM_015978.3(TNNI3K):c.2296C>T (p.Arg766Cys)

Genes: FPGT-TNNI3K (FPGT-TNNI3K readthrough; plus strand), LRRC53 (leucine rich repeat containing 53; minus strand), TNNI3K (TNNI3 interacting kinase; plus strand). Cytogenetic location: 1p31.1.
Variant type: single nucleotide variant.
Coding change: c.2296C>T on transcript NM_015978.3 (MANE Select); coding-DNA position 2296, C replaced by T.
Protein change: p.Arg766Cys; replaces arginine 766 with cysteine.
Molecular consequence: missense variant. On other transcripts: intron variant (2).
Genome position (GRCh38, 1-based): chr1:74,492,211, C>T. VCF-style: chr1-74492211-C-T. GRCh37 (hg19) VCF-style: chr1-74957895-C-T.
Other names: c.2599C>T, p.Arg867Cys (NM_001112808.3); c.-8-11243G>A (NM_001364666.2); c.-26-8836G>A (NM_001382280.1); short protein forms R766C, R867C.
Identifiers: ClinVar variation 4762850 (VCV004762850.1).
Genomic context (GRCh38, chr1:74,492,211, plus strand): 5'-TCTGATTGCCTGGTGAACCGGGGAGGACCTGGCCGGAGTCATGTGGCAGCATTAAGAAGT[C>T]GTTTCGAATTGGAATATGCTCTAAATGCAAGGTCCTATGCTGCTTTGTCCCAAAGGTGAG-3'
Protein context (NP_057062.1, residues 756-776): GRSHVAALRS[Arg766Cys]FELEYALNAR